The following is an entry in ClinVar:

NM_173660.5(DOK7):c.532+54T>C

Gene: DOK7 (docking protein 7; plus strand). Cytogenetic location: 4p16.3.
Variant type: single nucleotide variant.
Coding change: c.532+54T>C on transcript NM_173660.5 (MANE Select); 54 bases into the intron after coding-DNA position 532, T replaced by C.
Molecular consequence: intron variant.
Genome position (GRCh38, 1-based): chr4:3,476,596, T>C. VCF-style: chr4-3476596-T-C. GRCh37 (hg19) VCF-style: chr4-3478323-T-C.
Other names: c.532+54T>C (NM_001301071.2); c.101-8943T>C (NM_001363811.2); c.521+65T>C (NM_001164673.2).
Identifiers: ClinVar variation 679325 (VCV000679325.2), dbSNP rs2699426, ClinGen allele CA11676093.

ClinVar aggregate classification (germline): Benign. Review status: criteria provided, multiple submitters, no conflicts (2 of 4 stars). 2 submissions from 2 submitters: Benign (2). Last evaluated 2018-06-19.

Allele frequency attached by ClinVar (database versions not stated): gnomAD exomes 0.44281; gnomAD 0.53649 and 0.54038; 1000 Genomes Project 0.55671; TOPMed 0.56095; 1000 Genomes Project 30x 0.56793.
gnomAD v4.1: 726,654 of 1,607,278 alleles (45%); highest among the groups gnomAD compares: African/African-American, 79%; 170,709 homozygotes.

Submissions (2):

GeneDx
Classification: Benign. Last evaluated: 2018-06-19. Review status: criteria provided, single submitter. Criteria: GeneDx Variant Classification (06012015). Collection method: clinical testing. Allele origin: germline. Affected: yes.
Comment: This variant is considered likely benign or benign based on one or more of the following criteria: it is a conservative change, it occurs at a poorly conserved position in the protein, it is predicted to be benign by multiple in silico algorithms, and/or has population frequency not consistent with disease.

Breakthrough Genomics
Classification: Benign. Review status: criteria provided, single submitter. Criteria: ACMG Guidelines, 2015. Collection method: not provided. Allele origin: germline. Inheritance: Autosomal recessive inheritance. Affected: yes.